The following is an entry in ClinVar:

NM_007118.4(TRIO):c.4085A>G (p.Tyr1362Cys)

Gene: TRIO (trio Rho guanine nucleotide exchange factor; plus strand). Cytogenetic location: 5p15.2.
Variant type: single nucleotide variant.
Coding change: c.4085A>G on transcript NM_007118.4 (MANE Select); coding-DNA position 4085, A replaced by G.
Protein change: p.Tyr1362Cys; replaces tyrosine 1362 with cysteine.
Molecular consequence: missense variant. On other transcripts: non-coding transcript variant (1).
Genome position (GRCh38, 1-based): chr5:14,390,257, A>G. VCF-style: chr5-14390257-A-G. GRCh37 (hg19) VCF-style: chr5-14390366-A-G.
Other names: c.4085A>G (NM_007118.2); short protein forms Y1362C.
Identifiers: ClinVar variation 2504090 (VCV002504090.4), dbSNP rs2532882777, ClinGen allele CA359230468.

ClinVar aggregate classification (germline): Likely pathogenic. Review status: criteria provided, multiple submitters, no conflicts (2 of 4 stars). 3 submissions from 3 submitters: Likely pathogenic (3). Last evaluated 2026-09-22.

Conditions:
Intellectual developmental disorder, autosomal dominant 63, with macrocephaly. Also called: MENTAL RETARDATION, AUTOSOMAL DOMINANT 63, WITH MACROCEPHALY. Identifiers: MedGen C5394205, MONDO:0032939, OMIM 618825.
Intellectual developmental disorder, autosomal dominant 44, with microcephaly. Also called: TRIO-Related Intellectual Disability; Micrognathia-recurrent infections-behavioral abnormalities-mild intellectual disability syndrome. Identifiers: Orphanet 476126, MedGen C4310740, MONDO:0014892, OMIM 617061.

Submissions (3):

GeneDx
Classification: Likely pathogenic. Last evaluated: 2026-09-22. Review status: criteria provided, single submitter. Criteria: GeneDx Variant Classification Process June 2021. Collection method: clinical testing. Allele origin: germline.
Comment: Not observed at significant frequency in large population cohorts (gnomAD); In silico analysis supports that this missense variant has a deleterious effect on protein structure/function; Has not been previously published as pathogenic or benign to our knowledge; This variant is associated with the following publications: (PMID: 39313591)

New York Genome Center
Classification: Likely pathogenic for Intellectual developmental disorder, autosomal dominant 44, with microcephaly; Intellectual developmental disorder, autosomal dominant 63, with macrocephaly. Last evaluated: 2023-11-01. Review status: criteria provided, single submitter. Criteria: NYGC Assertion Criteria 2020. Collection method: clinical testing. Allele origin: de novo. Affected: yes. Observed: 1 variant allele, 1 heterozygote.
Comment: The c.4085A>G variant in TRIO has not previously been reported in the literature; it has been deposited in ClinVar [ClinVar ID: 2504090] as Likely Pathogenic by a single submitter as a de novo variant with affected status provided. Further correspondence with the submitter revealed that the variant was identified via exome sequencing with confirmed paternity in an individual with features of TRIO-related phenotype and there was no other molecular diagnosis. Brain MRI was not performed in the affected individual at the time of correspondence. The c.4085A>G variant is absent from population databases (gnomAD v2.1.1 and v3.1.2, TOPMedFreeze 8, All of Us), suggesting it is not a common benign variant in the populations represented in those databases. The c.4085A>G variant in TRIO is located in exon 26 of this 57-exon gene and predicted to replace an evolutionarily conserved tyrosine amino acid with cysteine at position 1362 within the GEFD1 domain of the encoded protein, which is a known hotspot enriched for de novo TRIO loss-of-function variants in the literature [PMID: 28796471, 33167890]. In silico predictions are inconclusive of damaging effect for the p. (Tyr1362Cys) variant [(CADD v1.6 = 31.0, REVEL = 0.526)]; however, there are no functional studies to support or refute these predictions. Based on available evidence the c.4085A>G p.(Leu2204Pro) variant identified in TRIO is classified as Likely Pathogenic.

Institute of Human Genetics, Cologne University
Classification: Likely pathogenic for Intellectual developmental disorder, autosomal dominant 63, with macrocephaly. Last evaluated: 2023-04-19. Review status: criteria provided, single submitter. Criteria: ACMG Guidelines, 2015. Collection method: clinical testing. Allele origin: de novo. Affected: yes.